The following is an entry in ClinVar:

ClinVar aggregate classification (germline): Uncertain significance (1 of 4 stars; one submission).

Conditions:
RFT1-congenital disorder of glycosylation (CDG1N). Also called: Congenital disorder of glycosylation type In; CDG In; RFT1-CDG. Identifiers: Orphanet 244310, MedGen C2677590, MONDO:0012783, OMIM 612015.

Allele frequency attached by ClinVar (database versions not stated): gnomAD exomes below 0.00001.
gnomAD v4.1: 2 of 1,613,446 alleles (0.00012%); highest among the groups gnomAD compares: South Asian, 0.0022%; no homozygotes.

Submission:

Labcorp Genetics (formerly Invitae), Labcorp
Classification: Uncertain significance for RFT1-congenital disorder of glycosylation. Last evaluated: 2022-11-01. Review status: criteria provided, single submitter. Criteria: Invitae Variant Classification Sherloc (09022015). Collection method: clinical testing. Allele origin: germline.
Comment: This sequence change falls in intron 4 of the RFT1 gene. It does not directly change the encoded amino acid sequence of the RFT1 protein. It affects a nucleotide within the consensus splice site. This variant is present in population databases (no rsID available, gnomAD 0.003%). This variant has not been reported in the literature in individuals affected with RFT1-related conditions. ClinVar contains an entry for this variant (Variation ID: 1359824). Variants that disrupt the consensus splice site are a relatively common cause of aberrant splicing (PMID: 17576681, 9536098). Algorithms developed to predict the effect of sequence changes on RNA splicing suggest that this variant is not likely to affect RNA splicing. In summary, the available evidence is currently insufficient to determine the role of this variant in disease. Therefore, it has been classified as a Variant of Uncertain Significance.

Literature cited by the submitters: PubMed 17576681; PubMed 9536098.

NM_052859.4(RFT1):c.456+3C>G

Gene: RFT1 (RFT1 glycolipid translocator homolog; minus strand). Cytogenetic location: 3p21.1.
Variant type: single nucleotide variant.
Coding change: c.456+3C>G on transcript NM_052859.4 (MANE Select); 3 bases into the intron after coding-DNA position 456, C replaced by G.
Molecular consequence: intron variant.
Genome position (GRCh38, 1-based): chr3:53,122,371, G>C on the plus strand (C>G on the coding strand, the complement: RFT1 is on the minus strand). VCF-style: chr3-53122371-G-C. GRCh37 (hg19) VCF-style: chr3-53156387-G-C.
Identifiers: ClinVar variation 1359824 (VCV001359824.6), dbSNP rs1296088581, ClinGen allele CA542920724.
Genomic context (GRCh38, chr3:53,122,371, plus strand): 5'-TTTAAAAAACAACGCTTTTTCTTATTCTTCCCATTTCCCATTCACAGCAGAAGGTGCACT[G>C]ACCTTGAGCTTCACAAACATATGTGCTTGTGCCAAGACCCAAAAGGGCTCTCCTAGAAGC-3'